The following is an entry in ClinVar:

NM_001017969.3(BRD10):c.3516A>G (p.Thr1172=)

Gene: BRD10 (bromodomain containing 10; minus strand). Cytogenetic location: 9p24.1.
Variant type: single nucleotide variant.
Coding change: c.3516A>G on transcript NM_001017969.3 (MANE Select); coding-DNA position 3516, A replaced by G.
Protein change: p.Thr1172=; no amino-acid change (threonine 1172 retained).
Molecular consequence: synonymous variant.
Genome position (GRCh38, 1-based): chr9:5,922,480, T>C on the plus strand (A>G on the coding strand, the complement: BRD10 is on the minus strand). VCF-style: chr9-5922480-T-C. GRCh37 (hg19) VCF-style: chr9-5922480-T-C.
Identifiers: ClinVar variation 2659057 (VCV002659057.23), dbSNP rs375760234, ClinGen allele CA4977223.
Genomic context (GRCh38, chr9:5,922,480, plus strand): 5'-AGAGGTTACAGGCGACAAAGGCTGTGGTCTAGCACTACTTATATTTGATAAAGGTGTAAT[T>C]GTTTTGTTGAAAGCTGTATTTGGTAGTTGGGTAGAAACAGTTCCTGGTGAGTTGACAAAA-3'
Protein context (NP_001017969.2, residues 1162-1182): TQLPNTAFNK[Thr1172=]ITPLSNISSA

ClinVar aggregate classification (germline): Likely benign (1 of 4 stars; one submission).

Allele frequency attached by ClinVar (database versions not stated): 1000 Genomes Project 30x 0.00031; ExAC 0.00075; gnomAD 0.00076; gnomAD exomes 0.00098; ESP Exome Variant Server 0.00100.
gnomAD v4.1: 1,549 of 1,614,028 alleles (0.096%); highest among the groups gnomAD compares: Non-Finnish European, 0.12%; 1 homozygote.

Submission:

CeGaT Center for Human Genetics Tuebingen
Classification: Likely benign. Last evaluated: 2023-04-01. Review status: criteria provided, single submitter. Criteria: CeGaT Center For Human Genetics Tuebingen Variant Classification Criteria Version 2. Collection method: clinical testing. Allele origin: germline. Affected: yes. Observed: 2 variant alleles.
Comment: BRD10: BP4, BP7